The following is an entry in ClinVar:

NM_001130987.2(DYSF):c.1411A>G (p.Asn471Asp)

Gene: DYSF (dysferlin; plus strand). Cytogenetic location: 2p13.2.
Variant type: single nucleotide variant.
Coding change: c.1411A>G on transcript NM_001130987.2 (MANE Select); coding-DNA position 1411, A replaced by G.
Protein change: p.Asn471Asp; replaces asparagine 471 with aspartic acid.
Molecular consequence: missense variant.
Genome position (GRCh38, 1-based): chr2:71,535,051, A>G. VCF-style: chr2-71535051-A-G. GRCh37 (hg19) VCF-style: chr2-71762181-A-G.
Other names: c.1318A>G, p.Asn440Asp (NM_001130455.2, NM_001130983.2, NM_001130984.2 and 1 more transcripts); c.1315A>G, p.Asn439Asp (NM_001130976.2, NM_001130977.2, NM_001130978.2 and 1 more transcripts); c.1408A>G, p.Asn470Asp (NM_001130979.2, NM_001130980.2, NM_001130981.2); c.1411A>G, p.Asn471Asp (NM_001130982.2, NM_001130985.2); short protein forms N439D, N471D, N440D, N470D.
Identifiers: ClinVar variation 430112 (VCV000430112.9), dbSNP rs1131691788, ClinGen allele CA347215641.

ClinVar aggregate classification (germline): Uncertain significance. Review status: criteria provided, multiple submitters, no conflicts (2 of 4 stars). 4 submissions from 4 submitters: Uncertain significance (3). 1 of the submissions does not count toward it. Last evaluated 2023-12-05.

Conditions:
Autosomal recessive limb-girdle muscular dystrophy type 2B (LGMDR2). Also called: MUSCULAR DYSTROPHY, LIMB-GIRDLE, AUTOSOMAL RECESSIVE 2; MUSCULAR DYSTROPHY, LIMB-GIRDLE, TYPE 3; Limb-girdle muscular dystrophy, type 2B; Limb-Girdle Muscular Dystrophy Type 2B (LGMD2B). Identifiers: Orphanet 268, MedGen C1850889, MONDO:0009676, OMIM 253601.

Allele frequency attached by ClinVar (database versions not stated): TOPMed below 0.00001; gnomAD 0.00001; gnomAD exomes 0.00001.
gnomAD v4.1: 7 of 1,614,028 alleles (0.00043%); highest among the groups gnomAD compares: Non-Finnish European, 0.00051%; no homozygotes.

Submissions (4):

Revvity Omics, Revvity
Classification: Uncertain significance. Last evaluated: 2023-12-05. Review status: criteria provided, single submitter. Criteria: ACMG Guidelines, 2015. Collection method: clinical testing. Allele origin: germline.

GeneDx
Classification: Uncertain significance. Last evaluated: 2017-05-17. Review status: criteria provided, single submitter. Criteria: GeneDx Variant Classification (06012015). Collection method: clinical testing. Allele origin: germline. Affected: yes.
Comment: A variant of uncertain significance has been identified in the DYSF gene. The N439D variant has not been published as a pathogenic variant, nor has it been reported as a benign variant to our knowledge. The N439D variant is not observed in large population cohorts (Lek et al., 2016; 1000 Genomes Consortium et al., 2015; Exome Variant Server). The N439D variant is a semi-conservative amino acid substitution, which may impact secondary protein structure as these residues differ in some properties. This substitution occurs at a position that is conserved across species, and in silico analysis predicts this variant is probably damaging to the protein structure/function. However, missense variants in nearby residues have not been reported in the Human Gene Mutation Database in association with DYSF-related disorders (Stenson et al., 2014). Therefore, based on the currently available information, it is unclear whether this variant is a pathogenic variant or a rare benign variant.

Eurofins Ntd Llc (ga)
Classification: Uncertain significance. Last evaluated: 2016-10-31. Review status: criteria provided, single submitter. Criteria: EGL Classification Definitions 2015. Collection method: clinical testing. Allele origin: germline. Observed: 1 variant allele, 1 heterozygote.

Natera, Inc.
Classification: Uncertain significance for Limb-girdle muscular dystrophy type 2B. Last evaluated: 2021-06-29. Review status: no assertion criteria provided. Collection method: clinical testing. Allele origin: germline. Not counted in ClinVar's aggregate classification.